The following is an entry in ClinVar:

ClinVar aggregate classification (germline): Likely benign (1 of 4 stars; one submission).

Submission:

CeGaT Center for Human Genetics Tuebingen
Classification: Likely benign. Last evaluated: 2023-03-01. Review status: criteria provided, single submitter. Criteria: CeGaT Center For Human Genetics Tuebingen Variant Classification Criteria Version 2. Collection method: clinical testing. Allele origin: germline. Affected: yes. Observed: 1 variant allele.
Comment: QSER1: PM2:Supporting, BP4, BP7

NM_001076786.3(QSER1):c.2082A>G (p.Pro694=)

Gene: QSER1 (glutamine and serine rich 1; plus strand). Cytogenetic location: 11p13.
Variant type: single nucleotide variant.
Coding change: c.2082A>G on transcript NM_001076786.3 (MANE Select); coding-DNA position 2082, A replaced by G.
Protein change: p.Pro694=; no amino-acid change (proline 694 retained).
Molecular consequence: synonymous variant.
Genome position (GRCh38, 1-based): chr11:32,933,340, A>G. VCF-style: chr11-32933340-A-G. GRCh37 (hg19) VCF-style: chr11-32954886-A-G.
Other names: c.2082A>G, p.Pro694= (NM_001416036.1, NM_001416037.1, NM_001416039.1); c.1920A>G, p.Pro640= (NM_001416038.1).
Identifiers: ClinVar variation 2641713 (VCV002641713.24), dbSNP rs2494405254, ClinGen allele CA473775132.